The following is an entry in ClinVar:

ClinVar aggregate classification (germline): Pathogenic (1 of 4 stars; one submission).

Conditions:
Hereditary cancer-predisposing syndrome. Also called: Hereditary Cancer Syndrome; Neoplastic Syndromes, Hereditary; Tumor predisposition; Hereditary neoplastic syndrome. Identifiers: Orphanet 140162, MedGen C0027672, MeSH D009386, MONDO:0015356.

Submission:

Ambry Genetics
Classification: Pathogenic for Hereditary cancer-predisposing syndrome. Last evaluated: 2020-12-11. Review status: criteria provided, single submitter. Criteria: Ambry Variant Classification Scheme 2023. Collection method: clinical testing. Allele origin: germline.
Comment: The c.4843_4849dupAAGAACC pathogenic mutation, located in coding exon 22 of the DICER1 gene, results from a duplication of AAGAACC at nucleotide position 4843, causing a translational frameshift with a predicted alternate stop codon (p.L1617Qfs*37). This variant was not reported in population-based cohorts in the Genome Aggregation Database (gnomAD). This alteration is expected to result in loss of function by premature protein truncation or nonsense-mediated mRNA decay. As such, this alteration is interpreted as a disease-causing mutation.

NM_177438.3(DICER1):c.4843_4849dup (p.Leu1617fs)

Gene: DICER1 (dicer 1, ribonuclease III; minus strand). Cytogenetic location: 14q32.13.
Variant type: Duplication.
Coding change: c.4843_4849dup on transcript NM_177438.3 (MANE Select); coding-DNA positions 4843 to 4849, 7 bases duplicated (AAGAACC; older notation c.4843_4849dupAAGAACC).
Protein change: p.Leu1617fs; shifts the reading frame from leucine 1617.
Molecular consequence: frameshift variant. On other transcripts: non-coding transcript variant (6).
Genome position (GRCh38, 1-based): chr14:95,096,071-95,096,077, GGTTCTT duplicated on the plus strand (AAGAACC on the coding strand, the reverse complement: DICER1 is on the minus strand). VCF-style (leftmost placement, unchanged base first): chr14-95096070-A-AGGTTCTT. GRCh37 (hg19) VCF-style: chr14-95562407-A-AGGTTCTT.
Other names: c.4843_4849dup, p.Leu1617fs (NM_001195573.1, NM_001271282.3, NM_001291628.2 and 12 more transcripts); c.4843_4849dup, p.Leu1617Glnfs (NM_001395681.1); c.4561_4567dup, p.Leu1523fs (NM_001395686.1); c.4438_4444dup, p.Leu1482fs (NM_001395687.1, NM_001395688.1, NM_001395689.1 and 2 more transcripts); c.4276_4282dup, p.Leu1428fs (NM_001395691.1); c.3160_3166dup, p.Leu1056fs (NM_001395697.1); c.4843_4849dupAAGAACC (NM_177438.2); short protein forms L1056fs, L1482fs, L1523fs, L1617fs, L1428fs.
Identifiers: ClinVar variation 1743517 (VCV001743517.2), dbSNP rs2542483597, ClinGen allele CA2580088969.